The following is an entry in ClinVar:

NM_003590.5(CUL3):c.1585A>G (p.Arg529Gly)

Gene: CUL3 (cullin 3; minus strand). Cytogenetic location: 2q36.2.
Variant type: single nucleotide variant.
Coding change: c.1585A>G on transcript NM_003590.5 (MANE Select); coding-DNA position 1585, A replaced by G.
Protein change: p.Arg529Gly; replaces arginine 529 with glycine.
Molecular consequence: missense variant.
Genome position (GRCh38, 1-based): chr2:224,500,388, T>C on the plus strand (A>G on the coding strand, the complement: CUL3 is on the minus strand). VCF-style: chr2-224500388-T-C. GRCh37 (hg19) VCF-style: chr2-225365105-T-C.
Other names: c.1387A>G, p.Arg463Gly (NM_001257197.2); c.1603A>G, p.Arg535Gly (NM_001257198.2); short protein forms R463G, R529G, R535G.
Identifiers: ClinVar variation 3614268 (VCV003614268.2).
Genomic context (GRCh38, chr2:224,500,388, plus strand): 5'-TGTACACAGTGATACAAAGTCTGATTTTGATTTACCTTCTGAATATCTCAAAAGCATGTC[T>C]TGGTGCTGGTGGGATGTTGCACTTTGGTGTGGCTGACTGAGTGGGCCAATATCCTGTCGT-3'
Protein context (NP_003581.1, residues 519-539): TPKCNIPPAP[Arg529Gly]HAFEIFRRFY

ClinVar aggregate classification (germline): Uncertain significance (1 of 4 stars; one submission).

Submission:

Labcorp Genetics (formerly Invitae), Labcorp
Classification: Uncertain significance. Last evaluated: 2024-05-27. Review status: criteria provided, single submitter. Criteria: Invitae Variant Classification Sherloc (09022015). Collection method: clinical testing. Allele origin: germline.
Comment: This sequence change replaces arginine, which is basic and polar, with glycine, which is neutral and non-polar, at codon 529 of the CUL3 protein (p.Arg529Gly). This variant is present in population databases (no rsID available, gnomAD 0.003%). This variant has not been reported in the literature in individuals affected with CUL3-related conditions. Advanced modeling of protein sequence and biophysical properties (such as structural, functional, and spatial information, amino acid conservation, physicochemical variation, residue mobility, and thermodynamic stability) performed at Invitae indicates that this missense variant is not expected to disrupt CUL3 protein function with a negative predictive value of 80%. In summary, the available evidence is currently insufficient to determine the role of this variant in disease. Therefore, it has been classified as a Variant of Uncertain Significance.